The following is an entry in ClinVar:

ClinVar aggregate classification (germline): Uncertain significance (1 of 4 stars; one submission).

Allele frequency attached by ClinVar (database versions not stated): gnomAD exomes 0.00001 and 0.00002; TOPMed 0.00001; gnomAD 0.00002 and 0.00003; ExAC 0.00004.
gnomAD v4.1: 18 of 1,613,036 alleles (0.0011%); highest among the groups gnomAD compares: South Asian, 0.011%; no homozygotes.

Submission:

Laboratory for Molecular Medicine, Mass General Brigham Personalized Medicine
Classification: Uncertain significance. Last evaluated: 2013-08-23. Review status: criteria provided, single submitter. Criteria: LMM Criteria. Collection method: clinical testing. Allele origin: germline. Observed: 1 variant allele.
Comment: Variant classified as Uncertain Significance - Favor Benign. The Arg18846His var iant in TTN has not been reported in individuals with cardiomyopathy or in large population studies. Arginine (Arg) at position 18846 is conserved in most mamma ls, but not in evolutionarily distant species, and 1 mammal (dolphin) and lizard carry a histidine (His; this variant) at this position, raising the possibility that this change may be tolerated. Additional computational analyses (biochemic al amino acid properties, AlignGVGD, PolyPhen2, and SIFT) do not provide strong support for or against an impact to the protein. While the presence of this vari ant in 2 other species suggests that this variant is more likely benign, additio nal information is needed to fully assess its clinical significance.

NM_001267550.2(TTN):c.64241G>A (p.Arg21414His)

Genes: TTN (titin; minus strand), TTN-AS1 (TTN antisense RNA 1; plus strand). Cytogenetic location: 2q31.2.
Variant type: single nucleotide variant.
Coding change: c.64241G>A on transcript NM_001267550.2 (MANE Select); coding-DNA position 64241, G replaced by A.
Protein change: p.Arg21414His; replaces arginine 21414 with histidine.
Molecular consequence: missense variant.
Genome position (GRCh38, 1-based): chr2:178,586,660, C>T on the plus strand (G>A on the coding strand, the complement: TTN is on the minus strand). VCF-style: chr2-178586660-C-T. GRCh37 (hg19) VCF-style: chr2-179451387-C-T.
Other names: c.56537G>A, p.Arg18846His (NM_133378.4); c.59318G>A, p.Arg19773His (NM_001256850.1); c.37046G>A, p.Arg12349His (NM_003319.4); c.37421G>A, p.Arg12474His (NM_133432.3); c.37622G>A, p.Arg12541His (NM_133437.4); short protein forms R18846H, R21414H, R12474H, R12541H, R12349H, R19773H.
Identifiers: ClinVar variation 179178 (VCV000179178.5), dbSNP rs727504690, ClinGen allele CA183879.